The following is an entry in ClinVar:

NM_015102.5(NPHP4):c.2959G>A (p.Val987Ile)

Gene: NPHP4 (nephrocystin 4; minus strand). Cytogenetic location: 1p36.31.
Variant type: single nucleotide variant.
Coding change: c.2959G>A on transcript NM_015102.5 (MANE Select); coding-DNA position 2959, G replaced by A.
Protein change: p.Val987Ile; replaces valine 987 with isoleucine.
Molecular consequence: missense variant. On other transcripts: non-coding transcript variant (1).
Genome position (GRCh38, 1-based): chr1:5,874,959, C>T on the plus strand (G>A on the coding strand, the complement: NPHP4 is on the minus strand). VCF-style: chr1-5874959-C-T. GRCh37 (hg19) VCF-style: chr1-5935019-C-T.
Other names: c.1420G>A, p.Val474Ile (NM_001291593.2); c.1423G>A, p.Val475Ile (NM_001291594.2); short protein forms V987I, V474I, V475I.
Identifiers: ClinVar variation 286338 (VCV000286338.12), dbSNP rs377683582, ClinGen allele CA553858.

ClinVar aggregate classification (germline): Uncertain significance. Review status: criteria provided, multiple submitters, no conflicts (2 of 4 stars). 2 submissions from 2 submitters: Uncertain significance (2). Last evaluated 2022-06-20.

Conditions:
Nephronophthisis. Also called: Juvenile Nephronophthisis. Identifiers: Orphanet 655, MedGen C0687120, MONDO:0019005, HP:0000090.

Allele frequency attached by ClinVar (database versions not stated): gnomAD 0.00001; gnomAD exomes 0.00001; TOPMed 0.00001; ExAC 0.00002; ESP Exome Variant Server 0.00008.
gnomAD v4.1: 13 of 1,613,246 alleles (0.00081%); highest among the groups gnomAD compares: South Asian, 0.0011%; no homozygotes.

Submissions (2):

Labcorp Genetics (formerly Invitae), Labcorp
Classification: Uncertain significance for Nephronophthisis. Last evaluated: 2022-06-20. Review status: criteria provided, single submitter. Criteria: Invitae Variant Classification Sherloc (09022015). Collection method: clinical testing. Allele origin: germline.
Comment: In summary, the available evidence is currently insufficient to determine the role of this variant in disease. Therefore, it has been classified as a Variant of Uncertain Significance. Algorithms developed to predict the effect of missense changes on protein structure and function (SIFT, PolyPhen-2, Align-GVGD) all suggest that this variant is likely to be tolerated. ClinVar contains an entry for this variant (Variation ID: 286338). This variant has not been reported in the literature in individuals affected with NPHP4-related conditions. This variant is present in population databases (rs377683582, gnomAD 0.003%). This sequence change replaces valine, which is neutral and non-polar, with isoleucine, which is neutral and non-polar, at codon 987 of the NPHP4 protein (p.Val987Ile).

Eurofins Ntd Llc (ga)
Classification: Uncertain significance. Last evaluated: 2016-02-25. Review status: criteria provided, single submitter. Criteria: EGL Classification Definitions 2015. Collection method: clinical testing. Allele origin: germline. Observed: 1 variant allele, 1 heterozygote.